The following is an entry in ClinVar:

NM_004055.5(CAPN5):c.1923A>T (p.Ter641Cys)

Gene: CAPN5 (calpain 5; plus strand). Cytogenetic location: 11q13.5.
Variant type: single nucleotide variant.
Coding change: c.1923A>T on transcript NM_004055.5 (MANE Select); coding-DNA position 1923, A replaced by T.
Protein change: p.Ter641Cys.
Molecular consequence: stop lost.
Genome position (GRCh38, 1-based): chr11:77,123,870, A>T. VCF-style: chr11-77123870-A-T. GRCh37 (hg19) VCF-style: chr11-76834916-A-T.
Other names: *641C.
Identifiers: ClinVar variation 957275 (VCV000957275.8), dbSNP rs749062696, ClinGen allele CA224832360.
Genomic context (GRCh38, chr11:77,123,870, plus strand): 5'-CAACCTGCCAGGCACTGTGGCCGTGCACATTCTCAGCAGCACCTCCCTCATGGCTGTCTG[A>T]CACCTGCCCACCTACCTGGCTCTGACCGTTCCCACCACCATCTGCATGTCCCCACTGGGC-3'

ClinVar aggregate classification (germline): Uncertain significance. Review status: criteria provided, multiple submitters, no conflicts (2 of 4 stars). 2 submissions from 2 submitters: Uncertain significance (2). Last evaluated 2025-09-23.

Allele frequency attached by ClinVar (database versions not stated): TOPMed below 0.00001; gnomAD exomes 0.00004.
gnomAD v4.1: 56 of 1,612,144 alleles (0.0035%); highest among the groups gnomAD compares: Non-Finnish European, 0.0044%; no homozygotes.

Submissions (2):

Labcorp Genetics (formerly Invitae), Labcorp
Classification: Uncertain significance. Last evaluated: 2025-09-23. Review status: criteria provided, single submitter. Criteria: Invitae Variant Classification Sherloc (09022015). Collection method: clinical testing. Allele origin: germline.
Comment: This sequence change disrupts the translational stop signal of the CAPN5 mRNA. It is expected to extend the length of the CAPN5 protein by 71 additional amino acid residues. This variant is not present in population databases (gnomAD no frequency). This variant has not been reported in the literature in individuals affected with CAPN5-related conditions. ClinVar contains an entry for this variant (Variation ID: 957275). In summary, the available evidence is currently insufficient to determine the role of this variant in disease. Therefore, it has been classified as a Variant of Uncertain Significance.

Blueprint Genetics
Classification: Uncertain significance. Last evaluated: 2024-05-24. Review status: criteria provided, single submitter. Criteria: ACMG Guidelines, 2015. Collection method: clinical testing. Allele origin: germline.